The following is an entry in ClinVar:

NM_002519.3(NPAT):c.3872C>A (p.Ser1291Tyr)

Gene: NPAT (nuclear protein, coactivator of histone transcription; minus strand). Cytogenetic location: 11q22.3.
Variant type: single nucleotide variant.
Coding change: c.3872C>A on transcript NM_002519.3 (MANE Select); coding-DNA position 3872, C replaced by A.
Protein change: p.Ser1291Tyr; replaces serine 1291 with tyrosine.
Molecular consequence: missense variant.
Genome position (GRCh38, 1-based): chr11:108,161,214, G>T on the plus strand (C>A on the coding strand, the complement: NPAT is on the minus strand). VCF-style: chr11-108161214-G-T. GRCh37 (hg19) VCF-style: chr11-108031941-G-T.
Other names: c.3893C>A, p.Ser1298Tyr (NM_001321307.1); short protein forms S1298Y, S1291Y.
Identifiers: ClinVar variation 1735721 (VCV001735721.2), dbSNP rs2077844285, ClinGen allele CA382509864.

ClinVar aggregate classification (germline): Uncertain significance (1 of 4 stars; one submission).

Submission:

Ambry Genetics
Classification: Uncertain significance. Last evaluated: 2022-07-28. Review status: criteria provided, single submitter. Criteria: Ambry Variant Classification Scheme 2023. Collection method: clinical testing. Allele origin: germline.
Comment: The p.S1291Y variant (also known as c.3872C>A), located in coding exon 17 of the NPAT gene, results from a C to A substitution at nucleotide position 3872. The serine at codon 1291 is replaced by tyrosine, an amino acid with dissimilar properties. This amino acid position is conserved. In addition, this alteration is predicted to be tolerated by in silico analysis. Since supporting evidence is limited at this time, the clinical significance of this alteration remains unclear.